The following is an entry in ClinVar:

ClinVar aggregate classification (germline): Uncertain significance (1 of 4 stars; one submission).

Conditions:
ZBTB47-related condition.

gnomAD v4.1: 138 of 1,518,476 alleles (0.0091%); highest among the groups gnomAD compares: Non-Finnish European, 0.011%; no homozygotes.

Submission:

PreventionGenetics, part of Exact Sciences
Classification: Uncertain significance for ZBTB47-related condition. Last evaluated: 2025-08-06. Review status: criteria provided, single submitter. Criteria: ACMG Guidelines, 2015. Collection method: clinical testing. Allele origin: germline.
Comment: The ZBTB47 c.621G>T variant is predicted to result in the amino acid substitution p.Leu207Phe. To our knowledge, this variant has not been reported in the literature. This variant is reported in 0.012% of alleles in individuals of European (Non-Finnish) descent in gnomAD. At this time, the clinical significance of this variant is uncertain due to the absence of conclusive functional and genetic evidence.

NM_145166.4(ZBTB47):c.621G>T (p.Leu207Phe)

Gene: ZBTB47 (zinc finger and BTB domain containing 47; plus strand). Cytogenetic location: 3p22.1.
Variant type: single nucleotide variant.
Coding change: c.621G>T on transcript NM_145166.4 (MANE Select); coding-DNA position 621, G replaced by T.
Protein change: p.Leu207Phe; replaces leucine 207 with phenylalanine.
Molecular consequence: missense variant.
Genome position (GRCh38, 1-based): chr3:42,658,976, G>T. VCF-style: chr3-42658976-G-T. GRCh37 (hg19) VCF-style: chr3-42700468-G-T.
Other names: c.705G>T, p.Leu235Phe (NM_001410746.1); short protein forms L235F, L207F.
Identifiers: ClinVar variation 4981198 (VCV004981198.1).